The following is an entry in ClinVar:

ClinVar aggregate classification (germline): Uncertain significance (1 of 4 stars; one submission).

Submission:

Labcorp Genetics (formerly Invitae), Labcorp
Classification: Uncertain significance. Last evaluated: 2024-12-26. Review status: criteria provided, single submitter. Criteria: Invitae Variant Classification Sherloc (09022015). Collection method: clinical testing. Allele origin: germline.
Comment: This sequence change replaces proline, which is neutral and non-polar, with serine, which is neutral and polar, at codon 905 of the TOPORS protein (p.Pro905Ser). This variant is present in population databases (no rsID available, gnomAD 0.0009%). This variant has not been reported in the literature in individuals affected with TOPORS-related conditions. Experimental studies and prediction algorithms are not available or were not evaluated, and the functional significance of this variant is currently unknown. In summary, the available evidence is currently insufficient to determine the role of this variant in disease. Therefore, it has been classified as a Variant of Uncertain Significance.

NM_005802.5(TOPORS):c.2713C>T (p.Pro905Ser)

Gene: TOPORS (TOP1 binding arginine/serine rich protein, E3 ubiquitin ligase; minus strand). Cytogenetic location: 9p21.1.
Variant type: single nucleotide variant.
Coding change: c.2713C>T on transcript NM_005802.5 (MANE Select); coding-DNA position 2713, C replaced by T.
Protein change: p.Pro905Ser; replaces proline 905 with serine.
Molecular consequence: missense variant.
Genome position (GRCh38, 1-based): chr9:32,541,812, G>A on the plus strand (C>T on the coding strand, the complement: TOPORS is on the minus strand). VCF-style: chr9-32541812-G-A. GRCh37 (hg19) VCF-style: chr9-32541810-G-A.
Other names: c.2518C>T, p.Pro840Ser (NM_001195622.2); short protein forms P840S, P905S.
Identifiers: ClinVar variation 3622855 (VCV003622855.2).